The following is an entry in ClinVar:

ClinVar aggregate classification (germline): Likely benign (0 of 4 stars; one submission).

Conditions:
HOMER2-related disorder. Also called: HOMER2-related condition.

Allele frequency attached by ClinVar (database versions not stated): TOPMed 0.00001; ExAC 0.00002.
gnomAD v4.1: 36 of 1,613,724 alleles (0.0022%); highest among the groups gnomAD compares: African/African-American, 0.02%; no homozygotes.

Submission:

PreventionGenetics, part of Exact Sciences
Classification: Likely benign for HOMER2-related condition. Last evaluated: 2019-08-13. Review status: no assertion criteria provided. Collection method: clinical testing. Allele origin: germline.
Comment: This variant is classified as likely benign based on ACMG/AMP sequence variant interpretation guidelines (Richards et al. 2015 PMID: 25741868, with internal and published modifications).

NM_004839.4(HOMER2):c.489G>A (p.Thr163=)

Gene: HOMER2 (homer scaffold protein 2; minus strand). Cytogenetic location: 15q25.2.
Variant type: single nucleotide variant.
Coding change: c.489G>A on transcript NM_004839.4 (MANE Select); coding-DNA position 489, G replaced by A.
Protein change: p.Thr163=; no amino-acid change (threonine 163 retained).
Molecular consequence: synonymous variant.
Genome position (GRCh38, 1-based): chr15:82,859,034, C>T on the plus strand (G>A on the coding strand, the complement: HOMER2 is on the minus strand). VCF-style: chr15-82859034-C-T. GRCh37 (hg19) VCF-style: chr15-83527786-C-T.
Other names: c.522G>A, p.Thr174= (NM_199330.3).
Identifiers: ClinVar variation 3053125 (VCV003053125.2), dbSNP rs774045431, ClinGen allele CA7702135.